The following is an entry in ClinVar:

ClinVar aggregate classification (germline): Uncertain significance (1 of 4 stars; one submission).

gnomAD v4.1: 11 of 1,475,144 alleles (0.00075%); highest among the groups gnomAD compares: Non-Finnish European, 0.00098%; no homozygotes.

Submission:

Ambry Genetics
Classification: Uncertain significance. Last evaluated: 2024-12-22. Review status: criteria provided, single submitter. Criteria: Ambry Variant Classification Scheme 2023. Collection method: clinical testing. Allele origin: germline.
Comment: The p.T57K variant (also known as c.170C>A), located in coding exon 1 of the PALLD gene, results from a C to A substitution at nucleotide position 170. The threonine at codon 57 is replaced by lysine, an amino acid with similar properties. This amino acid position is conserved. In addition, this alteration is predicted to be tolerated by in silico analysis. Based on the available evidence, the clinical significance of this variant remains unclear.

NM_001166108.2(PALLD):c.1965-12861C>A

Gene: PALLD (palladin, cytoskeletal associated protein; plus strand). Cytogenetic location: 4q32.3.
Variant type: single nucleotide variant.
Coding change: c.1965-12861C>A on transcript NM_001166108.2 (MANE Select); 12861 bases into the intron before coding-DNA position 1965, C replaced by A.
Molecular consequence: intron variant. On other transcripts: missense variant (1).
Genome position (GRCh38, 1-based): chr4:168,878,061, C>A. VCF-style: chr4-168878061-C-A. GRCh37 (hg19) VCF-style: chr4-169799212-C-A.
Other names: c.170C>A, p.Thr57Lys (NM_001166110.2); c.1965-12861C>A (NM_016081.4); c.819-12861C>A (NM_001166109.2); c.-157-12861C>A (NM_001367570.1, NM_001367568.1, NM_001367567.1 and 1 more transcripts); short protein forms T57K.
Identifiers: ClinVar variation 2465687 (VCV002465687.3), dbSNP rs755431325, ClinGen allele CA110515928.